The following is an entry in ClinVar:

ClinVar aggregate classification (germline): Uncertain significance (1 of 4 stars; one submission).

Conditions:
Charcot-Marie-Tooth disease, type I (CMT1). Also called: Charcot-Marie-Tooth, Type 1; Charcot-Marie-Tooth disease type 1. Identifiers: Orphanet 65753, MedGen C0751036, MONDO:0019011.

Submission:

Labcorp Genetics (formerly Invitae), Labcorp
Classification: Uncertain significance for Charcot-Marie-Tooth disease, type I. Last evaluated: 2016-01-21. Review status: criteria provided, single submitter. Criteria: Invitae Variant Classification Sherloc (09022015). Collection method: clinical testing. Allele origin: germline.
Comment: This sequence change deletes 2 nucleotides and inserts 2 different nucleotides in exon 3 of the MPZ mRNA (c.368_369delGCinsCT). This results in a substitution of glycine at codon 123 with alanine. This variant is not present in population databases (ExAC no frequency) and has not been reported in the literature in individuals with a MPZ-related disease. However, multiple other missense variants have been reported at codon 123 in individuals with Charcot-Marie-Tooth (CMT) disease (PMID: 24053775, 18209201, 20385006) and in other codons in the surrounding region suggesting that this codon as well as the surrounding region are likely important for MPZ protein function. Algorithms developed to predict the effect of missense changes on protein structure and function (PolyPhen-2, Align-GVGD) suggest that this variant is likely to be disruptive, but these predictions have not been confirmed by published functional studies. In summary, this is a novel missense change and although multiple missense variants have been reported at this codon in individuals with CMT, in the absence of additional functional data and/or segregation data, it has been classified as a Variant of Uncertain Significance.

Literature cited by the submitters: PubMed 24053775; PubMed 18209201; PubMed 20385006.

NM_000530.8(MPZ):c.368_369delinsCT (p.Gly123Ala)

Gene: MPZ (myelin protein zero; minus strand). Cytogenetic location: 1q23.3.
Variant type: Indel.
Coding change: c.368_369delinsCT on transcript NM_000530.8 (MANE Select); coding-DNA positions 368 to 369, GC replaced by CT.
Protein change: p.Gly123Ala; replaces glycine 123 with alanine.
Molecular consequence: missense variant.
Genome position (GRCh38, 1-based): chr1:161,306,787-161,306,788, GC replaced by AG on the plus strand (GC replaced by CT on the coding strand, the reverse complement: MPZ is on the minus strand). VCF-style: chr1-161306787-GC-AG. GRCh37 (hg19) VCF-style: chr1-161276577-GC-AG.
Other names: c.368_369delGCinsCT (LRG_256t1); c.368_369delinsCT, p.Gly123Ala (NM_001315491.2); short protein forms G123A.
Identifiers: ClinVar variation 237876 (VCV000237876.7), dbSNP rs878854030, ClinGen allele CA10581734.